The following is an entry in ClinVar:

NM_032808.7(LINGO1):c.285G>A (p.Pro95=)

Gene: LINGO1 (leucine rich repeat and Ig domain containing 1; minus strand). Cytogenetic location: 15q24.3.
Variant type: single nucleotide variant.
Coding change: c.285G>A on transcript NM_032808.7 (MANE Select); coding-DNA position 285, G replaced by A.
Protein change: p.Pro95=; no amino-acid change (proline 95 retained).
Molecular consequence: synonymous variant.
Genome position (GRCh38, 1-based): chr15:77,615,622, C>T on the plus strand (G>A on the coding strand, the complement: LINGO1 is on the minus strand). VCF-style: chr15-77615622-C-T. GRCh37 (hg19) VCF-style: chr15-77907964-C-T.
Other names: c.267G>A, p.Pro89= (NM_001301186.2, NM_001301187.2, NM_001301189.2 and 8 more transcripts).
Identifiers: ClinVar variation 4821095 (VCV004821095.4).

ClinVar aggregate classification (germline): Likely benign (1 of 4 stars; one submission).

gnomAD v4.1: 46 of 1,611,570 alleles (0.0029%); highest among the groups gnomAD compares: African/African-American, 0.025%; no homozygotes.

Submission:

CeGaT Center for Human Genetics Tuebingen
Classification: Likely benign. Last evaluated: 2026-03-01. Review status: criteria provided, single submitter. Criteria: CeGaT Center For Human Genetics Tuebingen Variant Classification Criteria Version 2. Collection method: clinical testing. Allele origin: germline. Affected: yes. Observed: 1 variant allele.
Comment: LINGO1: BP4, BP7